The following is an entry in ClinVar:

ClinVar aggregate classification (germline): Likely benign. Review status: criteria provided, multiple submitters, no conflicts (2 of 4 stars). 4 submissions from 4 submitters: Likely benign (4). Last evaluated 2025-12-10.

Conditions:
Cystic fibrosis (CF). Also called: MUCOVISCIDOSIS. Identifiers: Orphanet 586, MedGen C0010674, MONDO:0009061, OMIM 219700. Disease mechanism: loss of function.
CFTR-related disorder (CFTR-RD). Also called: CFTR-related disorders; CFTR-related condition. Identifiers: MedGen C5924204, MONDO:7770004.

Submissions (4):

Women's Health and Genetics/Laboratory Corporation of America, LabCorp
Classification: Likely benign. Last evaluated: 2025-12-10. Review status: criteria provided, single submitter. Criteria: LabCorp Variant Classification Summary - May 2015. Collection method: clinical testing. Allele origin: germline.

PreventionGenetics, part of Exact Sciences
Classification: Likely benign for CFTR-related condition. Last evaluated: 2025-06-03. Review status: criteria provided, single submitter. Criteria: ACMG Guidelines, 2015. Collection method: clinical testing. Allele origin: germline.
Comment: This variant is classified as likely benign based on ACMG/AMP sequence variant interpretation guidelines (Richards et al. 2015 PMID: 25741868, with internal and published modifications).

Ambry Genetics
Classification: Likely benign for Cystic fibrosis. Last evaluated: 2025-04-13. Review status: criteria provided, single submitter. Criteria: Ambry Variant Classification Scheme 2023. Collection method: clinical testing. Allele origin: germline.

Labcorp Genetics (formerly Invitae), Labcorp
Classification: Likely benign for Cystic fibrosis. Last evaluated: 2023-04-22. Review status: criteria provided, single submitter. Criteria: Invitae Variant Classification Sherloc (09022015). Collection method: clinical testing. Allele origin: germline.

NM_000492.4(CFTR):c.2373A>C (p.Thr791=)

Gene: CFTR (CF transmembrane conductance regulator; plus strand). Cytogenetic location: 7q31.2.
Variant type: single nucleotide variant.
Coding change: c.2373A>C on transcript NM_000492.4 (MANE Select); coding-DNA position 2373, A replaced by C.
Protein change: p.Thr791=; no amino-acid change (threonine 791 retained).
Molecular consequence: synonymous variant.
Genome position (GRCh38, 1-based): chr7:117,592,540, A>C. VCF-style: chr7-117592540-A-C. GRCh37 (hg19) VCF-style: chr7-117232594-A-C.
Identifiers: ClinVar variation 2956985 (VCV002956985.6), dbSNP rs202115503, ClinGen allele CA457449909.